The following is an entry in ClinVar:

NM_004174.4(SLC9A3):c.514+6T>C

Gene: SLC9A3 (solute carrier family 9 member A3). Cytogenetic location: 5p15.33.
Variant type: single nucleotide variant.
Coding change: c.514+6T>C on transcript NM_004174.4 (MANE Select); 6 bases into the intron after coding-DNA position 514, T replaced by C.
Molecular consequence: intron variant.
Genome position (GRCh38, 1-based): chr5:491,763, A>G on the plus strand (T>C on the coding strand, the complement: SLC9A3 is on the minus strand). VCF-style: chr5-491763-A-G. GRCh37 (hg19) VCF-style: chr5-491878-A-G.
Other names: c.514+6T>C (NM_001284351.3).
Identifiers: ClinVar variation 1444807 (VCV001444807.5), dbSNP rs753751211, ClinGen allele CA3176319.

ClinVar aggregate classification (germline): Uncertain significance. Review status: criteria provided, multiple submitters, no conflicts (2 of 4 stars). 2 submissions from 2 submitters: Uncertain significance (2). Last evaluated 2022-10-05.

Allele frequency attached by ClinVar (database versions not stated): gnomAD exomes 0.00010 and 0.00013; TOPMed 0.00012; gnomAD 0.00013; ExAC 0.00035.
gnomAD v4.1: 197 of 1,524,150 alleles (0.013%); highest among the groups gnomAD compares: Non-Finnish European, 0.016%; no homozygotes.

Submissions (3):

Labcorp Genetics (formerly Invitae), Labcorp
Classification: Uncertain significance. Last evaluated: 2022-10-05. Review status: criteria provided, single submitter. Criteria: Invitae Variant Classification Sherloc (09022015). Collection method: clinical testing. Allele origin: germline.
Comment: This sequence change falls in intron 2 of the SLC9A3 gene. It does not directly change the encoded amino acid sequence of the SLC9A3 protein. It affects a nucleotide within the consensus splice site. This variant is present in population databases (rs753751211, gnomAD 0.03%). This variant has not been reported in the literature in individuals affected with SLC9A3-related conditions. ClinVar contains an entry for this variant (Variation ID: 1444807). Variants that disrupt the consensus splice site are a relatively common cause of aberrant splicing (PMID: 17576681, 9536098). Algorithms developed to predict the effect of sequence changes on RNA splicing suggest that this variant is not likely to affect RNA splicing. In summary, the available evidence is currently insufficient to determine the role of this variant in disease. Therefore, it has been classified as a Variant of Uncertain Significance.

Breakthrough Genomics
Classification: Uncertain significance. Review status: criteria provided, single submitter. Criteria: ACMG Guidelines, 2015. Collection method: not provided. Allele origin: germline. Inheritance: Autosomal recessive inheritance. Affected: yes.

Dr. Peter K. Rogan Lab, Western University
No classification provided (evidence only). Condition: Gastric cancer. Review status: no classification provided. Collection method: in vitro. Allele origin: not applicable. Functional consequence: retained intron. Not counted in ClinVar's aggregate classification.

Literature cited by the submitters: PubMed 17576681 (cited by Labcorp Genetics (formerly Invitae), Labcorp); PubMed 9536098 (cited by Labcorp Genetics (formerly Invitae), Labcorp).